The following is an entry in ClinVar:

ClinVar aggregate classification (germline): Uncertain significance (1 of 4 stars; one submission).

Conditions:
SEMA3G-related disorder. Also called: SEMA3G-related condition.

Allele frequency attached by ClinVar (database versions not stated): gnomAD 0.00006; TOPMed 0.00006; ExAC 0.00008; ESP Exome Variant Server 0.00008; gnomAD exomes 0.00014.

Submission:

PreventionGenetics, part of Exact Sciences
Classification: Uncertain significance for SEMA3G-related condition. Last evaluated: 2026-03-22. Review status: criteria provided, single submitter. Criteria: ACMG Guidelines, 2015. Collection method: clinical testing. Allele origin: germline.
Comment: The SEMA3G c.1574dupA variant is predicted to result in premature protein termination (p.Tyr525*). To our knowledge, this variant has not been reported in the literature. This variant is reported in 0.012% of alleles in individuals of European (Non-Finnish) descent in gnomAD. Loss of function variants in SEMA3G are not an established mechanism of disease. At this time, the clinical significance of this variant is uncertain due to the absence of conclusive functional and genetic evidence.

NM_020163.3(SEMA3G):c.1574dup (p.Tyr525Ter)

Gene: SEMA3G (semaphorin 3G; minus strand). Cytogenetic location: 3p21.1.
Variant type: Duplication.
Coding change: c.1574dup on transcript NM_020163.3 (MANE Select); coding-DNA position 1574, one base duplicated (A; older notation c.1574dupA).
Protein change: p.Tyr525Ter; replaces tyrosine 525 with a stop codon.
Molecular consequence: nonsense.
Genome position (GRCh38, 1-based): chr3:52,438,135, T duplicated on the plus strand (A on the coding strand, the reverse complement: SEMA3G is on the minus strand). VCF-style (leftmost placement, unchanged base first): chr3-52438134-G-GT. GRCh37 (hg19) VCF-style: chr3-52472150-G-GT.
Other names: short protein forms Y525*.
Identifiers: ClinVar variation 2632094 (VCV002632094.3), dbSNP rs771101444, ClinGen allele CA2437873.